The following is an entry in ClinVar:

NM_000489.6(ATRX):c.5540A>G (p.Tyr1847Cys)

Gene: ATRX (ATRX chromatin remodeler; minus strand). Cytogenetic location: Xq21.1.
Variant type: single nucleotide variant.
Coding change: c.5540A>G on transcript NM_000489.6 (MANE Select); coding-DNA position 5540, A replaced by G.
Protein change: p.Tyr1847Cys; replaces tyrosine 1847 with cysteine.
Molecular consequence: missense variant.
Genome position (GRCh38, 1-based): chrX:77,616,639, T>C on the plus strand (A>G on the coding strand, the complement: ATRX is on the minus strand). VCF-style: chrX-77616639-T-C. GRCh37 (hg19) VCF-style: chrX-76872107-T-C.
Other names: c.5426A>G, p.Tyr1809Cys (NM_138270.5); short protein forms Y1809C, Y1847C.
Identifiers: ClinVar variation 1172655 (VCV001172655.8), dbSNP rs1057521987, ClinGen allele CA413700226.
Genomic context (GRCh38, chrX:77,616,639, plus strand): 5'-AGAGAAGATGAAATCAACAAGGTGTATTGTTTACCTGTTAAGTGATCTAAGTAGTACTGA[T>C]AGAGCTTGCACTGAATAGAAGTCATTCTCACAGCTAACACATATTCGTGTTTTGGAGGCA-3'
Protein context (NP_000480.3, residues 1837-1857): VRMTSIQCKL[Tyr1847Cys]QYYLDHLTGV

ClinVar aggregate classification (germline): Likely pathogenic. Review status: criteria provided, multiple submitters, no conflicts (2 of 4 stars). 3 submissions from 3 submitters: Likely pathogenic (3). Last evaluated 2024-02-27.

Conditions:
Intellectual disability-hypotonic facies syndrome, X-linked, 1 (MRXHF1). Also called: HOLMES-GANG SYNDROME; X-linked intellectual disability-hypotonic face syndrome; XLMR-HYPOTONIC FACIES SYNDROME; CHUDLEY-LOWRY SYNDROME; Chudley syndrome 1; Chudley-Lowry-Hoar syndrome. Identifiers: Orphanet 73220, Orphanet 93970, Orphanet 93971, Orphanet 93972, Orphanet 93973, Orphanet 93974, Orphanet 93975, MedGen C4759781, MONDO:0010663, OMIM 309580.
Alpha thalassemia-X-linked intellectual disability syndrome (ATRX). Also called: X-linked alpha-thalassemia-mental retardation syndrome; ALPHA-THALASSEMIA/IMPAIRED INTELLECTUAL DEVELOPMENT SYNDROME, X-LINKED; ALPHA-THALASSEMIA/MENTAL RETARDATION SYNDROME, X-LINKED; ATR, NONDELETION TYPE; ATR-X syndrome; Alpha thalassemia mental retardation syndrome, nondeletion type, X-linked. Identifiers: Orphanet 847, MedGen C1845055, MONDO:0010519, OMIM 301040.
Acquired hemoglobin H disease (ATMDS). Also called: Alpha-thalassemia myelodysplasia syndrome; Alpha-thalassemia myelodysplasia syndrome, somatic; Alpha-thalassemia-myelodysplastic syndrome. Identifiers: Orphanet 231401, MedGen C0585216, MONDO:0010328, OMIM 300448.
Neonatal hypotonia. Identifiers: MedGen C2267233, HP:0001319.

Submissions (3):

Fulgent Genetics
Classification: Likely pathogenic for Acquired hemoglobin H disease; Alpha thalassemia-X-linked intellectual disability syndrome; Intellectual disability-hypotonic facies syndrome, X-linked, 1. Last evaluated: 2024-02-27. Review status: criteria provided, single submitter. Criteria: ACMG Guidelines, 2015. Collection method: clinical testing. Allele origin: germline.

Labcorp Genetics (formerly Invitae), Labcorp
Classification: Likely pathogenic for Alpha thalassemia-X-linked intellectual disability syndrome. Last evaluated: 2021-08-12. Review status: criteria provided, single submitter. Criteria: Invitae Variant Classification Sherloc (09022015). Collection method: clinical testing. Allele origin: germline.
Comment: This sequence change replaces tyrosine with cysteine at codon 1847 of the ATRX protein (p.Tyr1847Cys). The tyrosine residue is highly conserved and there is a large physicochemical difference between tyrosine and cysteine. This variant is not present in population databases (ExAC no frequency). This missense change has been observed in individuals with ATRX-related conditions (PMID: 10995512, 22129561). ClinVar contains an entry for this variant (Variation ID: 1172655). Advanced modeling of protein sequence and biophysical properties (such as structural, functional, and spatial information, amino acid conservation, physicochemical variation, residue mobility, and thermodynamic stability) performed at Invitae indicates that this missense variant is expected to disrupt ATRX protein function. Studies have shown that this missense change alters ATRX gene expression (PMID: 21505078). In summary, the currently available evidence indicates that the variant is pathogenic, but additional data are needed to prove that conclusively. Therefore, this variant has been classified as Likely Pathogenic.

Equipe Genetique des Anomalies du Developpement, Université de Bourgogne
Classification: Likely pathogenic for Neonatal hypotonia. Review status: criteria provided, single submitter. Criteria: ACMG Guidelines, 2015. Collection method: clinical testing. Allele origin: maternal. Affected: yes.

Literature cited by the submitters: PubMed 10995512 (cited by Labcorp Genetics (formerly Invitae), Labcorp); PubMed 22129561 (cited by Labcorp Genetics (formerly Invitae), Labcorp); PubMed 21505078 (cited by Labcorp Genetics (formerly Invitae), Labcorp).